The following is an entry in ClinVar:

NM_014264.5(PLK4):c.740G>A (p.Arg247His)

Gene: PLK4 (polo like kinase 4; plus strand). Cytogenetic location: 4q28.1.
Variant type: single nucleotide variant.
Coding change: c.740G>A on transcript NM_014264.5 (MANE Select); coding-DNA position 740, G replaced by A.
Protein change: p.Arg247His; replaces arginine 247 with histidine.
Molecular consequence: missense variant.
Genome position (GRCh38, 1-based): chr4:127,886,110, G>A. VCF-style: chr4-127886110-G-A. GRCh37 (hg19) VCF-style: chr4-128807265-G-A.
Other names: c.644G>A, p.Arg215His (NM_001190799.2); c.617G>A, p.Arg206His (NM_001190801.2); c.740G>A (NM_014264.4); short protein forms R206H, R215H, R247H.
Identifiers: ClinVar variation 1017139 (VCV001017139.4), dbSNP rs141710661, ClinGen allele CA3076628.

ClinVar aggregate classification (germline): Uncertain significance. Review status: criteria provided, multiple submitters, no conflicts (2 of 4 stars). 2 submissions from 2 submitters: Uncertain significance (2). Last evaluated 2025-10-15.

Conditions:
Inborn genetic diseases. Identifiers: MedGen C0950123, MeSH D030342.

Allele frequency attached by ClinVar (database versions not stated): gnomAD exomes 0.00010; ExAC 0.00012; ESP Exome Variant Server 0.00031; TOPMed 0.00008.

Submissions (2):

Ambry Genetics
Classification: Uncertain significance for Inborn genetic diseases. Last evaluated: 2025-10-15. Review status: criteria provided, single submitter. Criteria: Ambry Variant Classification Scheme 2023. Collection method: clinical testing. Allele origin: germline.

Labcorp Genetics (formerly Invitae), Labcorp
Classification: Uncertain significance. Last evaluated: 2022-08-31. Review status: criteria provided, single submitter. Criteria: Invitae Variant Classification Sherloc (09022015). Collection method: clinical testing. Allele origin: germline.
Comment: This sequence change replaces arginine, which is basic and polar, with histidine, which is basic and polar, at codon 247 of the PLK4 protein (p.Arg247His). This variant is present in population databases (rs141710661, gnomAD 0.02%). This variant has not been reported in the literature in individuals affected with PLK4-related conditions. ClinVar contains an entry for this variant (Variation ID: 1017139). Algorithms developed to predict the effect of missense changes on protein structure and function are either unavailable or do not agree on the potential impact of this missense change (SIFT: "Deleterious"; PolyPhen-2: "Probably Damaging"; Align-GVGD: "Class C0"). In summary, the available evidence is currently insufficient to determine the role of this variant in disease. Therefore, it has been classified as a Variant of Uncertain Significance.